The following is an entry in ClinVar:

NM_001042492.3(NF1):c.1249A>G (p.Ile417Val)

Gene: NF1 (neurofibromin 1; plus strand). Cytogenetic location: 17q11.2.
Variant type: single nucleotide variant.
Coding change: c.1249A>G on transcript NM_001042492.3 (MANE Select); coding-DNA position 1249, A replaced by G.
Protein change: p.Ile417Val; replaces isoleucine 417 with valine.
Molecular consequence: missense variant.
Genome position (GRCh38, 1-based): chr17:31,201,474, A>G. VCF-style: chr17-31201474-A-G. GRCh37 (hg19) VCF-style: chr17-29528492-A-G.
Other names: c.1249A>G, p.Ile417Val (NM_000267.4, NM_001128147.3); short protein forms I417V.
Identifiers: ClinVar variation 5025534 (VCV005025534.1).
Genomic context (GRCh38, chr17:31,201,474, plus strand): 5'-TGCCTGGCTCAGAATTCACCTTCTACATTTCACTATGTGCTGGTAAATTCACTCCATCGA[A>G]TCATCACCAATGTAAGTCCAAAAGGTATTGCTAAATTACTAAAAAAATTTTTTTCTTTCT-3'
Protein context (NP_001035957.1, residues 407-427): HYVLVNSLHR[Ile417Val]ITNSALDWWP

ClinVar aggregate classification (germline): Uncertain significance (1 of 4 stars; one submission).

Conditions:
Cardiovascular phenotype. Identifiers: MedGen CN230736.
Hereditary cancer-predisposing syndrome. Also called: Neoplastic Syndromes, Hereditary; Tumor predisposition; Hereditary neoplastic syndrome; Hereditary Cancer Syndrome. Identifiers: Orphanet 140162, MedGen C0027672, MeSH D009386, MONDO:0015356.

Submission:

Ambry Genetics
Classification: Uncertain significance for Cardiovascular phenotype; Hereditary cancer-predisposing syndrome. Last evaluated: 2026-06-18. Review status: criteria provided, single submitter. Criteria: Ambry Variant Classification Scheme 2023. Collection method: clinical testing. Allele origin: germline.
Comment: The p.I417V variant (also known as c.1249A>G), located in coding exon 11 of the NF1 gene, results from an A to G substitution at nucleotide position 1249. The isoleucine at codon 417 is replaced by valine, an amino acid with highly similar properties. This amino acid position is conserved. In addition, the in silico prediction for this alteration is inconclusive. Based on the available evidence, the clinical significance of this variant remains unclear.